The following is an entry in ClinVar:

NM_000238.4(KCNH2):c.731C>T (p.Ala244Val)

Gene: KCNH2 (potassium voltage-gated channel subfamily H member 2; minus strand). Cytogenetic location: 7q36.1.
Variant type: single nucleotide variant.
Coding change: c.731C>T on transcript NM_000238.4 (MANE Select); coding-DNA position 731, C replaced by T.
Protein change: p.Ala244Val; replaces alanine 244 with valine.
Molecular consequence: missense variant.
Genome position (GRCh38, 1-based): chr7:150,958,244, G>A on the plus strand (C>T on the coding strand, the complement: KCNH2 is on the minus strand). VCF-style: chr7-150958244-G-A. GRCh37 (hg19) VCF-style: chr7-150655332-G-A.
Other names: c.443C>T, p.Ala148Val (NM_001406753.1, NM_001406756.1); c.554C>T, p.Ala185Val (NM_001406755.1); c.431C>T, p.Ala144Val (NM_001406757.1); c.731C>T, p.Ala244Val (NM_172056.3); short protein forms A244V, A144V, A185V, A148V.
Identifiers: ClinVar variation 405349 (VCV000405349.13), dbSNP rs748762712, ClinGen allele CA16612195.
Genomic context (GRCh38, chr7:150,958,244, plus strand): 5'-CTGGAGCCCGAGGCGTCGGGGTTGAGGCTGTGCGCCCGGGGCGATGGGAGCTGGCCGGGC[G>A]CGCTGCGGGGCGGAGAGCCGGGACCCACCAGCGCACGCCGCTCCTCCGCGGGCCCGAGCC-3'
Protein context (NP_000229.1, residues 234-254): LVGPGSPPRS[Ala244Val]PGQLPSPRAH

ClinVar aggregate classification (germline): Uncertain significance. Review status: criteria provided, multiple submitters, no conflicts (2 of 4 stars). 2 submissions from 2 submitters: Uncertain significance (2). Last evaluated 2026-01-12.

Conditions:
Long QT syndrome (LQTS). Identifiers: MedGen C0023976, MeSH D008133, MONDO:0002442. Disease mechanism: loss of function. Inheritance: Various modes of inheritance.

Submissions (2):

Labcorp Genetics (formerly Invitae), Labcorp
Classification: Uncertain significance for Long QT syndrome. Last evaluated: 2026-01-12. Review status: criteria provided, single submitter. Criteria: Invitae Variant Classification Sherloc (09022015). Collection method: clinical testing. Allele origin: germline.
Comment: This sequence change replaces alanine, which is neutral and non-polar, with valine, which is neutral and non-polar, at codon 244 of the KCNH2 protein (p.Ala244Val). This variant is not present in population databases (gnomAD no frequency). This variant has not been reported in the literature in individuals affected with KCNH2-related conditions. ClinVar contains an entry for this variant (Variation ID: 405349). An algorithm developed to predict the effect of missense changes on protein structure and function (PolyPhen-2) suggests that this variant is likely to be tolerated. In summary, the available evidence is currently insufficient to determine the role of this variant in disease. Therefore, it has been classified as a Variant of Uncertain Significance.

Revvity Omics, Revvity
Classification: Uncertain significance. Last evaluated: 2021-04-06. Review status: criteria provided, single submitter. Criteria: ACMG Guidelines, 2015. Collection method: clinical testing. Allele origin: germline.